The following is an entry in ClinVar:

ClinVar aggregate classification (germline): Uncertain significance (1 of 4 stars; one submission).

Allele frequency attached by ClinVar (database versions not stated): ExAC 0.00002; ESP Exome Variant Server 0.00008.
gnomAD v4.1: 12 of 1,473,338 alleles (0.00081%); highest among the groups gnomAD compares: East Asian, 0.0067%; no homozygotes.

Submission:

Labcorp Genetics (formerly Invitae), Labcorp
Classification: Uncertain significance. Last evaluated: 2023-08-20. Review status: criteria provided, single submitter. Criteria: Invitae Variant Classification Sherloc (09022015). Collection method: clinical testing. Allele origin: germline.
Comment: In summary, the available evidence is currently insufficient to determine the role of this variant in disease. Therefore, it has been classified as a Variant of Uncertain Significance. An algorithm developed to predict the effect of missense changes on protein structure and function (PolyPhen-2) suggests that this variant is likely to be disruptive. This variant has not been reported in the literature in individuals affected with SAR1B-related conditions. This variant is present in population databases (rs376731426, gnomAD 0.01%). This sequence change replaces threonine, which is neutral and polar, with methionine, which is neutral and non-polar, at codon 70 of the SAR1B protein (p.Thr70Met).

NM_016103.4(SAR1B):c.209C>T (p.Thr70Met)

Gene: SAR1B (secretion associated Ras related GTPase 1B; minus strand). Cytogenetic location: 5q31.1.
Variant type: single nucleotide variant.
Coding change: c.209C>T on transcript NM_016103.4 (MANE Select); coding-DNA position 209, C replaced by T.
Protein change: p.Thr70Met; replaces threonine 70 with methionine.
Molecular consequence: missense variant.
Genome position (GRCh38, 1-based): chr5:134,612,726, G>A on the plus strand (C>T on the coding strand, the complement: SAR1B is on the minus strand). VCF-style: chr5-134612726-G-A. GRCh37 (hg19) VCF-style: chr5-133948416-G-A.
Other names: c.209C>T, p.Thr70Met (NM_001033503.3); short protein forms T70M.
Identifiers: ClinVar variation 2982844 (VCV002982844.3), dbSNP rs376731426, ClinGen allele CA3414522.